The following is an entry in ClinVar:

NM_015346.4(ZFYVE26):c.5654-10C>G

Gene: ZFYVE26 (zinc finger FYVE-type containing 26; minus strand). Cytogenetic location: 14q24.1.
Variant type: single nucleotide variant.
Coding change: c.5654-10C>G on transcript NM_015346.4 (MANE Select); 10 bases into the intron before coding-DNA position 5654, C replaced by G.
Molecular consequence: intron variant.
Genome position (GRCh38, 1-based): chr14:67,767,850, G>C on the plus strand (C>G on the coding strand, the complement: ZFYVE26 is on the minus strand). VCF-style: chr14-67767850-G-C. GRCh37 (hg19) VCF-style: chr14-68234567-G-C.
Identifiers: ClinVar variation 696307 (VCV000696307.15), dbSNP rs183559101, ClinGen allele CA7239420.

ClinVar aggregate classification (germline): Likely benign. Review status: criteria provided, multiple submitters, no conflicts (2 of 4 stars). 3 submissions from 3 submitters: Likely benign (2). 1 of the submissions does not count toward it. Last evaluated 2026-01-21.

Conditions:
Spastic paraplegia. Identifiers: MedGen C0037772, HP:0001258.
ZFYVE26-related disorder. Also called: ZFYVE26-related condition.

Allele frequency attached by ClinVar (database versions not stated): gnomAD exomes 0.00005 and 0.00014; ESP Exome Variant Server 0.00054; ExAC 0.00020; gnomAD 0.00040 and 0.00043; TOPMed 0.00042; 1000 Genomes Project 0.00060; 1000 Genomes Project 30x 0.00062.
gnomAD v4.1: 140 of 1,614,126 alleles (0.0087%); highest among the groups gnomAD compares: African/African-American, 0.15%; 1 homozygote.

Submissions (4):

Labcorp Genetics (formerly Invitae), Labcorp
Classification: Likely benign for Spastic paraplegia. Last evaluated: 2026-01-21. Review status: criteria provided, single submitter. Criteria: Invitae Variant Classification Sherloc (09022015). Collection method: clinical testing. Allele origin: germline.

Athena Diagnostics
Classification: Likely benign. Last evaluated: 2021-01-21. Review status: criteria provided, single submitter. Criteria: Athena Diagnostics criteria. Collection method: clinical testing. Allele origin: unknown.

PreventionGenetics, part of Exact Sciences
Classification: Likely benign for ZFYVE26-related condition. Last evaluated: 2019-05-22. Review status: no assertion criteria provided. Collection method: clinical testing. Allele origin: germline. Not counted in ClinVar's aggregate classification.
Comment: This variant is classified as likely benign based on ACMG/AMP sequence variant interpretation guidelines (Richards et al. 2015 PMID: 25741868, with internal and published modifications).

Dr. Peter K. Rogan Lab, Western University
No classification provided (evidence only). Condition: Ovarian serous cystadenocarcinoma. Review status: no classification provided. Collection method: in vitro. Allele origin: not applicable. Functional consequence: retained intron. Not counted in ClinVar's aggregate classification.